The following is an entry in ClinVar:

ClinVar aggregate classification (germline): Uncertain significance. Review status: criteria provided, multiple submitters, no conflicts (2 of 4 stars). 2 submissions from 2 submitters: Uncertain significance (2). Last evaluated 2024-07-02.

Conditions:
Hereditary cancer-predisposing syndrome. Also called: Neoplastic Syndromes, Hereditary; Tumor predisposition; Hereditary neoplastic syndrome; Hereditary Cancer Syndrome. Identifiers: Orphanet 140162, MedGen C0027672, MeSH D009386, MONDO:0015356.

Submissions (2):

Labcorp Genetics (formerly Invitae), Labcorp
Classification: Uncertain significance. Last evaluated: 2024-07-02. Review status: criteria provided, single submitter. Criteria: Invitae Variant Classification Sherloc (09022015). Collection method: clinical testing. Allele origin: germline.
Comment: This sequence change replaces leucine, which is neutral and non-polar, with methionine, which is neutral and non-polar, at codon 1418 of the POLE protein (p.Leu1418Met). This variant is not present in population databases (gnomAD no frequency). This variant has not been reported in the literature in individuals affected with POLE-related conditions. Advanced modeling of protein sequence and biophysical properties (such as structural, functional, and spatial information, amino acid conservation, physicochemical variation, residue mobility, and thermodynamic stability) performed at Invitae indicates that this missense variant is not expected to disrupt POLE protein function with a negative predictive value of 80%. In summary, the available evidence is currently insufficient to determine the role of this variant in disease. Therefore, it has been classified as a Variant of Uncertain Significance.

Ambry Genetics
Classification: Uncertain significance for Hereditary cancer-predisposing syndrome. Last evaluated: 2023-12-01. Review status: criteria provided, single submitter. Criteria: Ambry Variant Classification Scheme 2023. Collection method: clinical testing. Allele origin: germline.
Comment: The p.L1418M variant (also known as c.4252C>A), located in coding exon 33 of the POLE gene, results from a C to A substitution at nucleotide position 4252. The leucine at codon 1418 is replaced by methionine, an amino acid with highly similar properties. This amino acid position is conserved. In addition, the in silico prediction for this alteration is inconclusive. Since supporting evidence is limited at this time, the clinical significance of this alteration remains unclear.

NM_006231.4(POLE):c.4252C>A (p.Leu1418Met)

Gene: POLE (DNA polymerase epsilon, catalytic subunit; minus strand). Cytogenetic location: 12q24.33.
Variant type: single nucleotide variant.
Coding change: c.4252C>A on transcript NM_006231.4 (MANE Select); coding-DNA position 4252, C replaced by A.
Protein change: p.Leu1418Met; replaces leucine 1418 with methionine.
Molecular consequence: missense variant.
Genome position (GRCh38, 1-based): chr12:132,643,875, G>T on the plus strand (C>A on the coding strand, the complement: POLE is on the minus strand). VCF-style: chr12-132643875-G-T. GRCh37 (hg19) VCF-style: chr12-133220461-G-T.
Other names: short protein forms L1418M.
Identifiers: ClinVar variation 3225456 (VCV003225456.3), dbSNP rs2138559303, ClinGen allele CA387381937.